The following is an entry in ClinVar:

ClinVar aggregate classification (germline): Uncertain significance. Review status: criteria provided, multiple submitters, no conflicts (2 of 4 stars). 2 submissions from 2 submitters: Uncertain significance (2). Last evaluated 2025-07-21.

Conditions:
Gorlin syndrome. Also called: Nevoid Basal Cell Carcinoma Syndrome; Basal cell nevus syndrome. Identifiers: Orphanet 377, MedGen C0004779, MONDO:0007187.
Hereditary cancer-predisposing syndrome. Also called: Hereditary neoplastic syndrome; Neoplastic Syndromes, Hereditary; Tumor predisposition; Hereditary Cancer Syndrome. Identifiers: Orphanet 140162, MedGen C0027672, MeSH D009386, MONDO:0015356.

Submissions (2):

Labcorp Genetics (formerly Invitae), Labcorp
Classification: Uncertain significance for Gorlin syndrome. Last evaluated: 2025-07-21. Review status: criteria provided, single submitter. Criteria: Invitae Variant Classification Sherloc (09022015). Collection method: clinical testing. Allele origin: germline.
Comment: This sequence change replaces proline, which is neutral and non-polar, with serine, which is neutral and polar, at codon 1295 of the PTCH1 protein (p.Pro1295Ser). This variant is not present in population databases (gnomAD no frequency). This variant has not been reported in the literature in individuals affected with PTCH1-related conditions. ClinVar contains an entry for this variant (Variation ID: 409152). Invitae Evidence Modeling of protein sequence and biophysical properties (such as structural, functional, and spatial information, amino acid conservation, physicochemical variation, residue mobility, and thermodynamic stability) indicates that this missense variant is not expected to disrupt PTCH1 protein function with a negative predictive value of 95%. In summary, the available evidence is currently insufficient to determine the role of this variant in disease. Therefore, it has been classified as a Variant of Uncertain Significance.

Ambry Genetics
Classification: Uncertain significance for Hereditary cancer-predisposing syndrome. Last evaluated: 2025-04-30. Review status: criteria provided, single submitter. Criteria: Ambry Variant Classification Scheme 2023. Collection method: clinical testing. Allele origin: germline.
Comment: The p.P1295S variant (also known as c.3883C>T), located in coding exon 23 of the PTCH1 gene, results from a C to T substitution at nucleotide position 3883. The proline at codon 1295 is replaced by serine, an amino acid with similar properties. This amino acid position is well conserved in available vertebrate species. In addition, this alteration is predicted to be tolerated by in silico analysis. Based on the available evidence, the clinical significance of this variant remains unclear.

NM_000264.5(PTCH1):c.3883C>T (p.Pro1295Ser)

Gene: PTCH1 (patched 1; minus strand). Cytogenetic location: 9q22.32.
Variant type: single nucleotide variant.
Coding change: c.3883C>T on transcript NM_000264.5 (MANE Select); coding-DNA position 3883, C replaced by T.
Protein change: p.Pro1295Ser; replaces proline 1295 with serine.
Molecular consequence: missense variant. On other transcripts: non-coding transcript variant (1).
Genome position (GRCh38, 1-based): chr9:95,447,373, G>A on the plus strand (C>T on the coding strand, the complement: PTCH1 is on the minus strand). VCF-style: chr9-95447373-G-A. GRCh37 (hg19) VCF-style: chr9-98209655-G-A.
Other names: c.3685C>T, p.Pro1229Ser (NM_001083602.3); c.3880C>T, p.Pro1294Ser (NM_001083603.3); c.3430C>T, p.Pro1144Ser (NM_001083604.3, NM_001083605.3, NM_001083606.3 and 1 more transcripts); c.3727C>T, p.Pro1243Ser (NM_001354918.2); short protein forms P1295S, P1229S, P1294S, P1144S, P1243S.
Identifiers: ClinVar variation 409152 (VCV000409152.12), dbSNP rs1060502275, ClinGen allele CA16612819.